The following is an entry in ClinVar:

NM_001042492.3(NF1):c.637dup (p.Ile213fs)

Gene: NF1 (neurofibromin 1; plus strand). Cytogenetic location: 17q11.2.
Variant type: Duplication.
Coding change: c.637dup on transcript NM_001042492.3 (MANE Select); coding-DNA position 637, one base duplicated (A; older notation c.637dupA).
Protein change: p.Ile213fs; shifts the reading frame from isoleucine 213.
Molecular consequence: frameshift variant.
Genome position (GRCh38, 1-based): chr17:31,181,472, A duplicated. VCF-style (leftmost placement, unchanged base first): chr17-31181471-T-TA. GRCh37 (hg19) VCF-style: chr17-29508489-T-TA.
Other names: c.637dup, p.Ile213fs (NM_001128147.3); c.637dup, p.Ile213Asnfs (NM_000267.4); short protein forms I213fs.
Identifiers: ClinVar variation 3633079 (VCV003633079.2).

ClinVar aggregate classification (germline): Pathogenic (1 of 4 stars; one submission).

Conditions:
Neurofibromatosis, type 1 (NF1). Also called: VON RECKLINGHAUSEN DISEASE; Peripheral type neurofibromatosis; NEUROFIBROMATOSIS, TYPE I, SOMATIC; Neurofibromatosis, type I. Identifiers: Orphanet 636, MedGen C0027831, MONDO:0018975, OMIM 162200. Disease mechanism: loss of function.

Submission:

Labcorp Genetics (formerly Invitae), Labcorp
Classification: Pathogenic for Neurofibromatosis, type 1. Last evaluated: 2024-04-22. Review status: criteria provided, single submitter. Criteria: Invitae Variant Classification Sherloc (09022015). Collection method: clinical testing. Allele origin: germline.
Comment: This sequence change creates a premature translational stop signal (p.Ile213Asnfs*3) in the NF1 gene. It is expected to result in an absent or disrupted protein product. Loss-of-function variants in NF1 are known to be pathogenic (PMID: 10712197, 23913538). This variant is not present in population databases (gnomAD no frequency). This variant has not been reported in the literature in individuals affected with NF1-related conditions. For these reasons, this variant has been classified as Pathogenic.

Literature cited by the submitters: PubMed 10712197; PubMed 23913538.